The following is an entry in ClinVar:

ClinVar aggregate classification (germline): Conflicting classifications of pathogenicity. Review status: criteria provided, conflicting classifications (1 of 4 stars). 6 submissions from 6 submitters: Uncertain significance (3); Benign (1); Likely benign (2). Last evaluated 2026-01-20.

Conditions:
Colorectal cancer. Also called: Colorectal cancer, somatic; Malignant Colorectal Neoplasm. Identifiers: MedGen C0346629, MONDO:0005575, OMIM 114500.
17p11.2 microduplication syndrome (PTLS). Also called: CHROMOSOME 17p11.2 DUPLICATION SYNDROME; Potocki-Lupski syndrome; Duplication 17p11.2 syndrome; Potocki-Lupski syndrome (dup(17)(p11.2p11.2)). Identifiers: Orphanet 1713, MedGen C2931246, MONDO:0012574, OMIM 610883.
Familial spontaneous pneumothorax (PSP). Identifiers: Orphanet 2903, MedGen C1868193, MONDO:0008259, OMIM 173600.
Birt-Hogg-Dube syndrome. Also called: Birt Hogg Dubé syndrome. Identifiers: Orphanet 122, MedGen C0346010, MONDO:0800444.
Nonpapillary renal cell carcinoma. Identifiers: Orphanet 422526, MedGen CN074294, MONDO:0007763, OMIM 144700.
Birt-Hogg-Dube syndrome 1 (BHD1). Also called: FIBROFOLLICULOMAS WITH TRICHODISCOMAS AND ACROCHORDONS. Identifiers: Orphanet 122, MedGen CN375946, MONDO:0800445, OMIM 135150.
Hereditary cancer-predisposing syndrome. Also called: Hereditary Cancer Syndrome; Neoplastic Syndromes, Hereditary; Tumor predisposition; Hereditary neoplastic syndrome. Identifiers: Orphanet 140162, MedGen C0027672, MeSH D009386, MONDO:0015356.

Allele frequency attached by ClinVar (database versions not stated): gnomAD exomes 0.00001 and 0.00005; ExAC 0.00009; gnomAD 0.00015 and 0.00016; TOPMed 0.00016; ESP Exome Variant Server 0.00023.
gnomAD v4.1: 37 of 1,614,062 alleles (0.0023%); highest among the groups gnomAD compares: African/African-American, 0.049%; no homozygotes.

Submissions (6):

Labcorp Genetics (formerly Invitae), Labcorp
Classification: Likely benign for Birt-Hogg-Dube syndrome. Last evaluated: 2026-01-20. Review status: criteria provided, single submitter. Criteria: Invitae Variant Classification Sherloc (09022015). Collection method: clinical testing. Allele origin: germline.

Myriad Genetics, Inc.
Classification: Likely benign for Birt-Hogg-Dube syndrome 1. Last evaluated: 2024-08-06. Review status: criteria provided, single submitter. Criteria: Myriad Autosomal Dominant, Autosomal Recessive and X-Linked Classification Criteria (2023). Collection method: clinical testing. Allele origin: unknown.
Comment: This variant is considered likely benign. This variant has been observed at a population frequency that is significantly greater than expected given the associated disease prevalence and penetrance.

Ambry Genetics
Classification: Benign for Hereditary cancer-predisposing syndrome. Last evaluated: 2023-08-16. Review status: criteria provided, single submitter. Criteria: Ambry Variant Classification Scheme 2023. Collection method: clinical testing. Allele origin: germline.

GeneDx
Classification: Uncertain significance. Last evaluated: 2023-02-07. Review status: criteria provided, single submitter. Criteria: GeneDx Variant Classification Process June 2021. Collection method: clinical testing. Allele origin: germline. Affected: yes.
Comment: In silico analysis supports that this missense variant does not alter protein structure/function; Has not been previously published as pathogenic or benign to our knowledge; This variant is associated with the following publications: (PMID: 17028174, 27397505)

Fulgent Genetics
Classification: Uncertain significance for Colorectal cancer; Birt-Hogg-Dube syndrome 1; Nonpapillary renal cell carcinoma; Familial spontaneous pneumothorax; 17p11.2 microduplication syndrome. Last evaluated: 2022-03-21. Review status: criteria provided, single submitter. Criteria: ACMG Guidelines, 2015. Collection method: clinical testing. Allele origin: unknown.

Sema4
Classification: Uncertain significance for Hereditary cancer-predisposing syndrome. Last evaluated: 2021-08-25. Review status: criteria provided, single submitter. Criteria: Sema4 Curation Guidelines. Collection method: curation. Allele origin: germline.
Comment: The FLCN c.1364A>G (p.E455G) variant has not been reported in the literature to our knowledge. It was observed in 16/24956 chromosomes of the African/African American subpopulation, with no homozygotes, in the Genome Aggregation Database (PMID: 32461654). The variant has been reported in ClinVar (Variation ID 230541). Functional studies have not been performed, and in silico predictions of the variant's effect on protein function are inconclusive. The evidence is insufficient to meet ACMG/AMP criteria for classifying the variant as benign or pathogenic. Thus, the clinical significance of this variant is currently uncertain.

NM_144997.7(FLCN):c.1364A>G (p.Glu455Gly)

Gene: FLCN (folliculin; minus strand). Cytogenetic location: 17p11.2.
Variant type: single nucleotide variant.
Coding change: c.1364A>G on transcript NM_144997.7 (MANE Select); coding-DNA position 1364, A replaced by G.
Protein change: p.Glu455Gly; replaces glutamic acid 455 with glycine.
Molecular consequence: missense variant.
Genome position (GRCh38, 1-based): chr17:17,215,253, T>C on the plus strand (A>G on the coding strand, the complement: FLCN is on the minus strand). VCF-style: chr17-17215253-T-C. GRCh37 (hg19) VCF-style: chr17-17118567-T-C.
Other names: c.1364A>G (LRG_325t1); c.1418A>G, p.Glu473Gly (NM_001353229.2); c.1364A>G, p.Glu455Gly (NM_001353230.2, NM_001353231.2); short protein forms E455G, E473G.
Identifiers: ClinVar variation 230541 (VCV000230541.17), dbSNP rs199786696, ClinGen allele CA8416016.